The following is an entry in ClinVar:

NM_015001.3(SPEN):c.5842C>T (p.Pro1948Ser)

Gene: SPEN (spen family transcriptional repressor; plus strand). Cytogenetic location: 1p36.13.
Variant type: single nucleotide variant.
Coding change: c.5842C>T on transcript NM_015001.3 (MANE Select); coding-DNA position 5842, C replaced by T.
Protein change: p.Pro1948Ser; replaces proline 1948 with serine.
Molecular consequence: missense variant.
Genome position (GRCh38, 1-based): chr1:15,932,082, C>T. VCF-style: chr1-15932082-C-T. GRCh37 (hg19) VCF-style: chr1-16258577-C-T.
Other names: short protein forms P1948S.
Identifiers: ClinVar variation 4086582 (VCV004086582.1).

ClinVar aggregate classification (germline): Uncertain significance (1 of 4 stars; one submission).

Submission:

GeneDx
Classification: Uncertain significance. Last evaluated: 2025-03-18. Review status: criteria provided, single submitter. Criteria: GeneDx Variant Classification Process June 2021. Collection method: clinical testing. Allele origin: germline. Affected: yes.
Comment: Not observed at significant frequency in large population cohorts (gnomAD); In silico analysis indicates that this missense variant does not alter protein structure/function; Has not been previously published as pathogenic or benign to our knowledge